The following is an entry in ClinVar:

NM_006755.2(TALDO1):c.314C>T (p.Thr105Ile)

Gene: TALDO1 (transaldolase 1; plus strand). Cytogenetic location: 11p15.5.
Variant type: single nucleotide variant.
Coding change: c.314C>T on transcript NM_006755.2 (MANE Select); coding-DNA position 314, C replaced by T.
Protein change: p.Thr105Ile; replaces threonine 105 with isoleucine.
Molecular consequence: missense variant.
Genome position (GRCh38, 1-based): chr11:759,042, C>T. VCF-style: chr11-759042-C-T. GRCh37 (hg19) VCF-style: chr11-759042-C-T.
Other names: c.314C>T (NM_006755.1); short protein forms T105I.
Identifiers: ClinVar variation 1482269 (VCV001482269.7), dbSNP rs775352129, ClinGen allele CA5788085.
Genomic context (GRCh38, chr11:759,042, plus strand): 5'-ATAAACTTTTTGTGTTGTTTGGAGCAGAAATACTAAAGAAGATTCCGGGCCGAGTATCCA[C>T]AGAAGTAGACGCAAGGTAAGGATGCTTGCTCCTGCACTGGATGGGCTGGTCAGGTGTCCA-3'
Protein context (NP_006746.1, residues 95-115): ILKKIPGRVS[Thr105Ile]EVDARLSFDK

ClinVar aggregate classification (germline): Uncertain significance. Review status: criteria provided, multiple submitters, no conflicts (2 of 4 stars). 2 submissions from 2 submitters: Uncertain significance (2). Last evaluated 2025-11-08.

Conditions:
Inborn genetic diseases. Identifiers: MedGen C0950123, MeSH D030342.

Allele frequency attached by ClinVar (database versions not stated): gnomAD 0.00002 and 0.00003; ExAC 0.00001; gnomAD exomes 0.00004 and 0.00003; TOPMed 0.00006.
gnomAD v4.1: 58 of 1,612,242 alleles (0.0036%); highest among the groups gnomAD compares: Middle Eastern, 0.066%; no homozygotes.

Submissions (2):

Ambry Genetics
Classification: Uncertain significance for Inborn genetic diseases. Last evaluated: 2025-11-08. Review status: criteria provided, single submitter. Criteria: Ambry Variant Classification Scheme 2023. Collection method: clinical testing. Allele origin: germline.

Labcorp Genetics (formerly Invitae), Labcorp
Classification: Uncertain significance. Last evaluated: 2021-09-24. Review status: criteria provided, single submitter. Criteria: Invitae Variant Classification Sherloc (09022015). Collection method: clinical testing. Allele origin: germline.
Comment: This sequence change replaces threonine with isoleucine at codon 105 of the TALDO1 protein (p.Thr105Ile). The threonine residue is highly conserved and there is a moderate physicochemical difference between threonine and isoleucine. This variant is present in population databases (rs775352129, ExAC 0.009%). This variant has not been reported in the literature in individuals with TALDO1-related conditions. Algorithms developed to predict the effect of missense changes on protein structure and function are either unavailable or do not agree on the potential impact of this missense change (SIFT: "Deleterious"; PolyPhen-2: "Probably Damaging"; Align-GVGD: "Class C0"). In summary, the available evidence is currently insufficient to determine the role of this variant in disease. Therefore, it has been classified as a Variant of Uncertain Significance.